The following is an entry in ClinVar:

NM_181523.3(PIK3R1):c.209C>T (p.Pro70Leu)

Gene: PIK3R1 (phosphoinositide-3-kinase regulatory subunit 1; plus strand). Cytogenetic location: 5q13.1.
Variant type: single nucleotide variant.
Coding change: c.209C>T on transcript NM_181523.3 (MANE Select); coding-DNA position 209, C replaced by T.
Protein change: p.Pro70Leu; replaces proline 70 with leucine.
Molecular consequence: missense variant.
Genome position (GRCh38, 1-based): chr5:68,226,884, C>T. VCF-style: chr5-68226884-C-T. GRCh37 (hg19) VCF-style: chr5-67522712-C-T.
Other names: c.209C>T (NM_181523.2); short protein forms P70L.
Identifiers: ClinVar variation 1018392 (VCV001018392.12), dbSNP rs910474484, ClinGen allele CA120629747.

ClinVar aggregate classification (germline): Uncertain significance. Review status: criteria provided, multiple submitters, no conflicts (2 of 4 stars). 2 submissions from 2 submitters: Uncertain significance (2). Last evaluated 2025-07-22.

Conditions:
Immunodeficiency 36 with lymphoproliferation. Also called: ACTIVATED PI3K-DELTA SYNDROME 2; Activated PI3K Delta Syndrome Type 2 (APDS2); Immunodeficiency 36. Identifiers: Orphanet 397596, Orphanet 693681, MedGen C4014934, MONDO:0014453, OMIM 616005.
Agammaglobulinemia 7, autosomal recessive (AGM7). Also called: AGAMMAGLOBULINEMIA, AUTOSOMAL RECESSIVE, DUE TO PIK3R1 DEFECT. Identifiers: MedGen C3554689, MONDO:0014083, OMIM 615214.
SHORT syndrome. Also called: SHORT STATURE, HYPEREXTENSIBILITY, HERNIA, OCULAR DEPRESSION, RIEGER ANOMALY, AND TEETHING DELAY; PIK3R1-Related SHORT Syndrome; LIPODYSTROPHY, PARTIAL, WITH RIEGER ANOMALY AND SHORT STATURE. Identifiers: Orphanet 3163, MedGen C0878684, MONDO:0010026, OMIM 269880.

Allele frequency attached by ClinVar (database versions not stated): gnomAD exomes below 0.00001; TOPMed below 0.00001.
gnomAD v4.1: 2 of 1,613,980 alleles (0.00012%); highest among the groups gnomAD compares: Admixed American, 0.0017%; no homozygotes.

Submissions (2):

Labcorp Genetics (formerly Invitae), Labcorp
Classification: Uncertain significance for SHORT syndrome; Immunodeficiency 36 with lymphoproliferation; Agammaglobulinemia 7, autosomal recessive. Last evaluated: 2025-07-22. Review status: criteria provided, single submitter. Criteria: Invitae Variant Classification Sherloc (09022015). Collection method: clinical testing. Allele origin: germline.
Comment: This sequence change replaces proline, which is neutral and non-polar, with leucine, which is neutral and non-polar, at codon 70 of the PIK3R1 protein (p.Pro70Leu). This variant is not present in population databases (gnomAD no frequency). This variant has not been reported in the literature in individuals affected with PIK3R1-related conditions. ClinVar contains an entry for this variant (Variation ID: 1018392). An algorithm developed to predict the effect of missense changes on protein structure and function (PolyPhen-2) suggests that this variant is likely to be disruptive. In summary, the available evidence is currently insufficient to determine the role of this variant in disease. Therefore, it has been classified as a Variant of Uncertain Significance.

GeneDx
Classification: Uncertain significance. Last evaluated: 2023-04-06. Review status: criteria provided, single submitter. Criteria: GeneDx Variant Classification Process June 2021. Collection method: clinical testing. Allele origin: germline. Affected: yes.
Comment: Not observed at significant frequency in large population cohorts (gnomAD); In silico analysis supports that this missense variant has a deleterious effect on protein structure/function; Has not been previously published as pathogenic or benign to our knowledge